The following is an entry in ClinVar:

ClinVar aggregate classification (germline): Conflicting classifications of pathogenicity. Review status: criteria provided, conflicting classifications (1 of 4 stars). 3 submissions from 3 submitters: Uncertain significance (1); Likely benign (2). Last evaluated 2025-02-16.

Conditions:
Inborn genetic diseases. Identifiers: MedGen C0950123, MeSH D030342.

Allele frequency attached by ClinVar (database versions not stated): ExAC 0.00031; ESP Exome Variant Server 0.00031; gnomAD 0.00035.

Submissions (3):

Laboratory of Genetics, Children's Clinical University Hospital Latvia
Classification: Likely benign. Last evaluated: 2025-02-16. Review status: criteria provided, single submitter. Criteria: ACMG Guidelines, 2015. Collection method: clinical testing. Allele origin: germline. Affected: yes.

GeneDx
Classification: Uncertain significance. Last evaluated: 2024-02-05. Review status: criteria provided, single submitter. Criteria: GeneDx Variant Classification Process June 2021. Collection method: clinical testing. Allele origin: germline. Affected: yes.
Comment: Has not been previously published as pathogenic or benign to our knowledge; In silico analysis supports that this missense variant has a deleterious effect on protein structure/function

Ambry Genetics
Classification: Likely benign for Inborn genetic diseases. Last evaluated: 2021-08-09. Review status: criteria provided, single submitter. Criteria: Ambry Variant Classification Scheme 2023. Collection method: clinical testing. Allele origin: germline.

NM_005555.4(KRT6B):c.373C>T (p.Pro125Ser)

Gene: KRT6B (keratin 6B; minus strand). Cytogenetic location: 12q13.13.
Variant type: single nucleotide variant.
Coding change: c.373C>T on transcript NM_005555.4 (MANE Select); coding-DNA position 373, C replaced by T.
Protein change: p.Pro125Ser; replaces proline 125 with serine.
Molecular consequence: missense variant.
Genome position (GRCh38, 1-based): chr12:52,451,706, G>A on the plus strand (C>T on the coding strand, the complement: KRT6B is on the minus strand). VCF-style: chr12-52451706-G-A. GRCh37 (hg19) VCF-style: chr12-52845490-G-A.
Other names: short protein forms P125S.
Identifiers: ClinVar variation 2266454 (VCV002266454.4), dbSNP rs202222264, ClinGen allele CA6580882.